The following is an entry in ClinVar:

ClinVar aggregate classification (germline): Uncertain significance. Review status: criteria provided, multiple submitters, no conflicts (2 of 4 stars). 9 submissions from 7 submitters: Uncertain significance (6). 3 of the submissions do not count toward it. Last evaluated 2026-07-06.

Conditions:
Retinitis pigmentosa 39 (RP39). Identifiers: Orphanet 791, MedGen C3151138, MONDO:0013436, OMIM 613809.
Usher syndrome type 2A. Also called: RETINAL DISEASE IN USHER SYNDROME TYPE IIA, MODIFIER OF; USHER SYNDROME, TYPE IIA. Identifiers: Orphanet 231178, Orphanet 886, MedGen C1848634, MONDO:0010169, OMIM 276901.
USH2A-related disorder. Also called: USH2A-related disorders; USH2A-related condition. Identifiers: MedGen CN239332.

Allele frequency attached by ClinVar (database versions not stated): ESP Exome Variant Server 0.00008; gnomAD exomes 0.00001 and 0.00002; ExAC 0.00003; TOPMed 0.00003; gnomAD 0.00004.
gnomAD v4.1: 31 of 1,613,974 alleles (0.0019%); highest among the groups gnomAD compares: African/African-American, 0.025%; no homozygotes.

Submissions (9):

PreventionGenetics, part of Exact Sciences
Classification: Uncertain significance for USH2A-related condition. Last evaluated: 2026-07-06. Review status: criteria provided, single submitter. Criteria: ACMG Guidelines, 2015. Collection method: clinical testing. Allele origin: germline.
Comment: The USH2A c.7951A>G variant is predicted to result in the amino acid substitution p.Asn2651Asp. This variant was reported along with a second potentially causative USH2A variant in an individual with retinal disease (Ben Yosef et al. 2023. PubMed ID: 37287645). This variant is reported in 0.012% of alleles in individuals of African descent in gnomAD. At this time, the clinical significance of this variant is uncertain due to the absence of conclusive functional and genetic evidence.

Genome-Nilou Lab
Classification: Uncertain significance for Retinitis pigmentosa 39. Last evaluated: 2023-11-04. Review status: criteria provided, single submitter. Criteria: ACMG Guidelines, 2015. Collection method: clinical testing. Allele origin: germline. Affected: no.

Genome-Nilou Lab
Classification: Uncertain significance for Usher syndrome type 2A. Last evaluated: 2023-11-04. Review status: criteria provided, single submitter. Criteria: ACMG Guidelines, 2015. Collection method: clinical testing. Allele origin: germline. Affected: no.

Blueprint Genetics
Classification: Uncertain significance. Last evaluated: 2023-09-25. Review status: criteria provided, single submitter. Criteria: ACMG Guidelines, 2015. Collection method: clinical testing. Allele origin: germline.

Labcorp Genetics (formerly Invitae), Labcorp
Classification: Uncertain significance. Last evaluated: 2022-09-19. Review status: criteria provided, single submitter. Criteria: Invitae Variant Classification Sherloc (09022015). Collection method: clinical testing. Allele origin: germline.
Comment: This sequence change replaces asparagine, which is neutral and polar, with aspartic acid, which is acidic and polar, at codon 2651 of the USH2A protein (p.Asn2651Asp). This variant is present in population databases (rs141134147, gnomAD 0.01%). This variant has not been reported in the literature in individuals affected with USH2A-related conditions. ClinVar contains an entry for this variant (Variation ID: 560527). Advanced modeling of protein sequence and biophysical properties (such as structural, functional, and spatial information, amino acid conservation, physicochemical variation, residue mobility, and thermodynamic stability) performed at Invitae indicates that this missense variant is not expected to disrupt USH2A protein function. In summary, the available evidence is currently insufficient to determine the role of this variant in disease. Therefore, it has been classified as a Variant of Uncertain Significance.

Fulgent Genetics
Classification: Uncertain significance for Usher syndrome type 2A; Retinitis pigmentosa 39. Last evaluated: 2021-12-03. Review status: criteria provided, single submitter. Criteria: ACMG Guidelines, 2015. Collection method: clinical testing. Allele origin: unknown.

Joint Genome Diagnostic Labs from Nijmegen and Maastricht, Radboudumc and MUMC+
Classification: Uncertain significance for Retinitis pigmentosa 39. Last evaluated: 2016-09-01. Review status: no assertion criteria provided. Collection method: clinical testing. Allele origin: inherited. Affected: yes. Observed: 1 variant allele. Not counted in ClinVar's aggregate classification.

Clinical Genetics DNA and cytogenetics Diagnostics Lab, Erasmus MC, Erasmus Medical Center
Classification: Uncertain significance. Review status: no assertion criteria provided. Collection method: clinical testing. Allele origin: germline. Affected: yes. Study: VKGL Data-share Consensus. Not counted in ClinVar's aggregate classification.

Joint Genome Diagnostic Labs from Nijmegen and Maastricht, Radboudumc and MUMC+
Classification: Uncertain significance. Review status: no assertion criteria provided. Collection method: clinical testing. Allele origin: germline. Affected: yes. Study: VKGL Data-share Consensus. Not counted in ClinVar's aggregate classification.

NM_206933.4(USH2A):c.7951A>G (p.Asn2651Asp)

Gene: USH2A (usherin; minus strand). Cytogenetic location: 1q41.
Variant type: single nucleotide variant.
Coding change: c.7951A>G on transcript NM_206933.4 (MANE Select); coding-DNA position 7951, A replaced by G.
Protein change: p.Asn2651Asp; replaces asparagine 2651 with aspartic acid.
Molecular consequence: missense variant.
Genome position (GRCh38, 1-based): chr1:215,888,698, T>C on the plus strand (A>G on the coding strand, the complement: USH2A is on the minus strand). VCF-style: chr1-215888698-T-C. GRCh37 (hg19) VCF-style: chr1-216062040-T-C.
Other names: short protein forms N2651D.
Identifiers: ClinVar variation 560527 (VCV000560527.10), dbSNP rs141134147, ClinGen allele CA1394709.